The following is an entry in ClinVar:

NM_001029896.2(WDR45):c.307A>T (p.Lys103Ter)

Gene: WDR45 (WD repeat domain 45; minus strand). Cytogenetic location: Xp11.23.
Variant type: single nucleotide variant.
Coding change: c.307A>T on transcript NM_001029896.2 (MANE Select); coding-DNA position 307, A replaced by T.
Protein change: p.Lys103Ter; replaces lysine 103 with a stop codon.
Molecular consequence: nonsense.
Genome position (GRCh38, 1-based): chrX:49,076,679, T>A on the plus strand (A>T on the coding strand, the complement: WDR45 is on the minus strand). VCF-style: chrX-49076679-T-A. GRCh37 (hg19) VCF-style: chrX-48934338-T-A.
Other names: c.310A>T, p.Lys104Ter (NM_007075.4); short protein forms K104*, K103*.
Identifiers: ClinVar variation 489040 (VCV000489040.2), dbSNP rs1557084310, ClinGen allele CA412946786.

ClinVar aggregate classification (germline): Pathogenic (1 of 4 stars; one submission).

Submission:

GeneDx
Classification: Pathogenic. Last evaluated: 2017-08-08. Review status: criteria provided, single submitter. Criteria: GeneDx Variant Classification (06012015). Collection method: clinical testing. Allele origin: germline. Affected: yes.
Comment: The K104X variant in the WDR45 gene has not been reported previously as a pathogenic variant nor as a benign variant, to our knowledge. This variant is predicted to cause loss of normal protein function either through protein truncation or nonsense-mediated mRNA decay. The K104X variant is not observed in large population cohorts (Lek et al., 2016; 1000 Genomes Consortium et al., 2015; Exome Variant Server). We interpret K104X as a pathogenic variant.